The following is an entry in ClinVar:

NM_001903.5(CTNNA1):c.2345G>T (p.Arg782Leu)

Gene: CTNNA1 (catenin alpha 1; plus strand). Cytogenetic location: 5q31.2.
Variant type: single nucleotide variant.
Coding change: c.2345G>T on transcript NM_001903.5 (MANE Select); coding-DNA position 2345, G replaced by T.
Protein change: p.Arg782Leu; replaces arginine 782 with leucine.
Molecular consequence: missense variant. On other transcripts: intron variant (1).
Genome position (GRCh38, 1-based): chr5:138,932,624, G>T. VCF-style: chr5-138932624-G-T. GRCh37 (hg19) VCF-style: chr5-138268313-G-T.
Other names: c.1235G>T, p.Arg412Leu (NM_001324000.1, NM_001324003.1, NM_001324002.1 and 16 more transcripts); c.896G>T, p.Arg299Leu (NM_001324006.1, NM_001324008.1, NM_001324007.1 and 2 more transcripts); c.1142G>T, p.Arg381Leu (NM_001324011.1); c.992G>T, p.Arg331Leu (NM_001324012.1, NM_001324013.1); c.1189-1178G>T (NM_001324001.1); c.2345G>T, p.Arg782Leu (NM_001290307.3, NM_001323982.2, NM_001323983.1 and 2 more transcripts); c.2036G>T, p.Arg679Leu (NM_001290309.3); c.1976G>T, p.Arg659Leu (NM_001290310.3); and 1 more; short protein forms R299L, R381L, R331L, R659L, R679L, R751L, R412L, R782L.
Identifiers: ClinVar variation 3837165 (VCV003837165.1).
Genomic context (GRCh38, chr5:138,932,624, plus strand): 5'-TGCTCTCTCTTCAGTGCCCCGACTCGGCTTGCAAGCAGGACCTGCTGGCCTACCTGCAAC[G>T]CATCGCCCTCTACTGCCACCAGCTGAACATCTGCAGCAAGGTCAAGGCCGAGGTGCAGAA-3'
Protein context (NP_001894.2, residues 772-792): CKQDLLAYLQ[Arg782Leu]IALYCHQLNI

ClinVar aggregate classification (germline): Uncertain significance (1 of 4 stars; one submission).

Conditions:
Hereditary cancer-predisposing syndrome. Also called: Hereditary neoplastic syndrome; Neoplastic Syndromes, Hereditary; Tumor predisposition; Hereditary Cancer Syndrome. Identifiers: Orphanet 140162, MedGen C0027672, MeSH D009386, MONDO:0015356.

Submission:

Ambry Genetics
Classification: Uncertain significance for Hereditary cancer-predisposing syndrome. Last evaluated: 2024-12-26. Review status: criteria provided, single submitter. Criteria: Ambry Variant Classification Scheme 2023. Collection method: clinical testing. Allele origin: germline.
Comment: The p.R782L variant (also known as c.2345G>T), located in coding exon 16 of the CTNNA1 gene, results from a G to T substitution at nucleotide position 2345. The arginine at codon 782 is replaced by leucine, an amino acid with dissimilar properties. This amino acid position is conserved. In addition, this alteration is predicted to be deleterious by in silico analysis. Based on the available evidence, the clinical significance of this variant remains unclear.